The following is an entry in ClinVar:

NM_130384.3(ATRIP):c.677G>A (p.Arg226Lys)

Genes: ATRIP (ATR interacting protein; plus strand), ATRIP-TREX1 (ATRIP-TREX1 readthrough; plus strand). Cytogenetic location: 3p21.31.
Variant type: single nucleotide variant.
Coding change: c.677G>A on transcript NM_130384.3 (MANE Select); coding-DNA position 677, G replaced by A.
Protein change: p.Arg226Lys; replaces arginine 226 with lysine.
Molecular consequence: missense variant. On other transcripts: non-coding transcript variant (1).
Genome position (GRCh38, 1-based): chr3:48,457,264, G>A. VCF-style: chr3-48457264-G-A. GRCh37 (hg19) VCF-style: chr3-48498664-G-A.
Other names: c.296G>A, p.Arg99Lys (NM_001271022.2); c.398G>A, p.Arg133Lys (NM_001271023.2); c.677G>A, p.Arg226Lys (NM_032166.4); c.677G>A (NM_130384.1); short protein forms R133K, R99K, R226K.
Identifiers: ClinVar variation 2115903 (VCV002115903.5), dbSNP rs143699962, ClinGen allele CA73972256.
Genomic context (GRCh38, chr3:48,457,264, plus strand): 5'-TTTTGAATGGTTTTAGTAGAATCATTACTTTGCTTTCATAGTTAACTTTTTCCAGTCCTA[G>A]GAAAAACCCTTCTGTGGTTATAAAGCCAGAAGCATGTTCTCCACAATTTGGAAAAACATC-3'
Protein context (NP_569055.1, residues 216-236): AAPSVSHVSP[Arg226Lys]KNPSVVIKPE

ClinVar aggregate classification (germline): Uncertain significance. Review status: criteria provided, multiple submitters, no conflicts (2 of 4 stars). 2 submissions from 2 submitters: Uncertain significance (2). Last evaluated 2025-06-06.

Allele frequency attached by ClinVar (database versions not stated): TOPMed below 0.00001; gnomAD 0.00001; ESP Exome Variant Server 0.00008.

Submissions (2):

Ambry Genetics
Classification: Uncertain significance. Last evaluated: 2025-06-06. Review status: criteria provided, single submitter. Criteria: Ambry Variant Classification Scheme 2023. Collection method: clinical testing. Allele origin: germline.
Comment: The p.R226K variant (also known as c.677G>A), located in coding exon 5 of the ATRIP gene, results from a G to A substitution at nucleotide position 677. The arginine at codon 226 is replaced by lysine, an amino acid with highly similar properties. This amino acid position is well conserved in available vertebrate species. In addition, this alteration is predicted to be tolerated by in silico analysis. The evidence for this gene-disease relationship is limited; therefore, the clinical significance of this alteration is unclear.

Labcorp Genetics (formerly Invitae), Labcorp
Classification: Uncertain significance. Last evaluated: 2022-06-16. Review status: criteria provided, single submitter. Criteria: Invitae Variant Classification Sherloc (09022015). Collection method: clinical testing. Allele origin: germline.
Comment: In summary, the available evidence is currently insufficient to determine the role of this variant in disease. Therefore, it has been classified as a Variant of Uncertain Significance. This sequence change replaces arginine, which is basic and polar, with lysine, which is basic and polar, at codon 226 of the ATRIP protein (p.Arg226Lys). This variant is not present in population databases (gnomAD no frequency). This variant has not been reported in the literature in individuals affected with ATRIP-related conditions. Algorithms developed to predict the effect of missense changes on protein structure and function are either unavailable or do not agree on the potential impact of this missense change (SIFT: "Tolerated"; PolyPhen-2: "Possibly Damaging"; Align-GVGD: "Class C0"). Algorithms developed to predict the effect of sequence changes on RNA splicing suggest that this variant may disrupt the consensus splice site.